The following is an entry in ClinVar:

ClinVar aggregate classification (germline): Conflicting classifications of pathogenicity. Review status: criteria provided, conflicting classifications (1 of 4 stars). 20 submissions from 16 submitters: Uncertain significance (2); Benign (5); Likely benign (8). 5 of the submissions do not count toward it. Last evaluated 2026-09-01.

Conditions:
CEP290-related disorder. Also called: CEP290-related disorders; CEP290-related condition. Identifiers: MedGen CN239314.
Inborn genetic diseases. Identifiers: MedGen C0950123, MeSH D030342.
Joubert syndrome. Also called: JOUBERT-BOLTSHAUSER SYNDROME; Familial aplasia of the vermis. Identifiers: Orphanet 475, MedGen C5979921, MONDO:0018772.
Nephronophthisis. Also called: Juvenile Nephronophthisis. Identifiers: Orphanet 655, MedGen C0687120, MONDO:0019005, HP:0000090.
Meckel-Gruber syndrome. Also called: DYSENCEPHALIA SPLANCHNOCYSTICA; GRUBER SYNDROME; Dysencephalia splachnocystica. Identifiers: Orphanet 564, MedGen C0265215, MONDO:0018921.
Leber congenital amaurosis (LCA). Also called: Leber's amaurosis. Identifiers: Orphanet 65, MedGen C0339527, MeSH D057130, MONDO:0018998.
Meckel syndrome, type 4 (MKS4). Also called: MECKEL-GRUBER SYNDROME, TYPE 4. Identifiers: Orphanet 564, MedGen C1970161, MONDO:0012626, OMIM 611134.
Joubert syndrome 5 (JBTS5). Identifiers: Orphanet 2318, MedGen C1857780, MONDO:0012432, OMIM 610188.
Senior-Loken syndrome 6 (SLSN6). Identifiers: Orphanet 3156, MedGen C1857779, MONDO:0012433, OMIM 610189.
Leber congenital amaurosis 10 (LCA10). Identifiers: Orphanet 65, MedGen C1857821, MONDO:0012723, OMIM 611755.
Bardet-Biedl syndrome 14 (BBS14). Identifiers: Orphanet 110, MedGen C2673874, MONDO:0014442, OMIM 615991.

Allele frequency attached by ClinVar (database versions not stated): 1000 Genomes Project 0.00260; 1000 Genomes Project 30x 0.00297; gnomAD 0.00314 and 0.00329; ExAC 0.00350; gnomAD exomes 0.00352; ESP Exome Variant Server 0.00362; TOPMed 0.00367.
gnomAD v4.1: 5,927 of 1,597,012 alleles (0.37%); highest among the groups gnomAD compares: Middle Eastern, 0.93%; 18 homozygotes.

Submissions (20):

CeGaT Center for Human Genetics Tuebingen
Classification: Likely benign. Last evaluated: 2026-09-01. Review status: criteria provided, single submitter. Criteria: CeGaT Center For Human Genetics Tuebingen Variant Classification Criteria Version 2. Collection method: clinical testing. Allele origin: germline. Affected: yes. Observed: 42 variant alleles.
Comment: CEP290: BP4, BP7

Labcorp Genetics (formerly Invitae), Labcorp
Classification: Benign for Joubert syndrome; Meckel-Gruber syndrome; Nephronophthisis. Last evaluated: 2026-02-02. Review status: criteria provided, single submitter. Criteria: Invitae Variant Classification Sherloc (09022015). Collection method: clinical testing. Allele origin: germline.

Blueprint Genetics
Classification: Likely benign. Last evaluated: 2024-11-26. Review status: criteria provided, single submitter. Criteria: ACMG Guidelines, 2015. Collection method: clinical testing. Allele origin: germline.

Ambry Genetics
Classification: Likely benign for Inborn genetic diseases. Last evaluated: 2023-07-07. Review status: criteria provided, single submitter. Criteria: Ambry Variant Classification Scheme 2023. Collection method: clinical testing. Allele origin: germline.

Genetic Services Laboratory, University of Chicago
Classification: Benign. Last evaluated: 2021-06-21. Review status: criteria provided, single submitter. Criteria: ACMG Guidelines, 2015. Collection method: clinical testing. Allele origin: germline. Affected: no.

Genome-Nilou Lab
Classification: Likely benign for Joubert syndrome 5. Last evaluated: 2021-05-18. Review status: criteria provided, single submitter. Criteria: ACMG Guidelines, 2015. Collection method: clinical testing. Allele origin: germline. Affected: no.

Athena Diagnostics
Classification: Likely benign. Last evaluated: 2020-03-17. Review status: criteria provided, single submitter. Criteria: Athena Diagnostics Criteria. Collection method: clinical testing. Allele origin: unknown.

ARUP Laboratories, Molecular Genetics and Genomics, ARUP Laboratories
Classification: Benign. Last evaluated: 2019-09-16. Review status: criteria provided, single submitter. Criteria: ARUP Molecular Germline Variant Investigation Process. Collection method: clinical testing. Allele origin: germline.

Illumina Laboratory Services, Illumina
Classification: Likely benign for Bardet-Biedl syndrome 14. Last evaluated: 2018-01-13. Review status: criteria provided, single submitter. Criteria: ICSL Variant Classification Criteria 13 December 2019. Collection method: clinical testing. Allele origin: germline.
Comment: This variant was observed in the ICSL laboratory as part of a predisposition screen in an ostensibly healthy population. It had not been previously curated by ICSL or reported in the Human Gene Mutation Database (HGMD: prior to June 1st, 2018), and was therefore a candidate for classification through an automated scoring system. Utilizing variant allele frequency, disease prevalence and penetrance estimates, and inheritance mode, an automated score was calculated to assess if this variant is too frequent to cause the disease. Based on the score and internal cut-off values, a variant classified as likely benign is not then subjected to further curation. The score for this variant resulted in a classification of likely benign for this disease.

Illumina Laboratory Services, Illumina
Classification: Uncertain significance for Leber congenital amaurosis 10. Last evaluated: 2018-01-13. Review status: criteria provided, single submitter. Criteria: ICSL Variant Classification Criteria 13 December 2019. Collection method: clinical testing. Allele origin: germline.

Illumina Laboratory Services, Illumina
Classification: Likely benign for Senior-Loken syndrome 6. Last evaluated: 2018-01-13. Review status: criteria provided, single submitter. Criteria: ICSL Variant Classification Criteria 13 December 2019. Collection method: clinical testing. Allele origin: germline.
Comment: the same text as in the submission from Illumina Laboratory Services, Illumina above.

Illumina Laboratory Services, Illumina
Classification: Uncertain significance for Meckel syndrome, type 4. Last evaluated: 2018-01-13. Review status: criteria provided, single submitter. Criteria: ICSL Variant Classification Criteria 13 December 2019. Collection method: clinical testing. Allele origin: germline.

Illumina Laboratory Services, Illumina
Classification: Likely benign for Joubert syndrome 5. Last evaluated: 2018-01-13. Review status: criteria provided, single submitter. Criteria: ICSL Variant Classification Criteria 13 December 2019. Collection method: clinical testing. Allele origin: germline.
Comment: the same text as in the submission from Illumina Laboratory Services, Illumina above.

Eurofins Ntd Llc (ga)
Classification: Benign. Last evaluated: 2015-03-05. Review status: criteria provided, single submitter. Criteria: EGL Classification Definitions 2015. Collection method: clinical testing. Allele origin: germline. Observed: 2 variant alleles, 2 heterozygotes.

GeneDx
Classification: Benign. Last evaluated: 2015-03-03. Review status: criteria provided, single submitter. Criteria: GeneDx Variant Classification Process June 2021. Collection method: clinical testing. Allele origin: germline. Affected: yes.
Comment: This variant is associated with the following publications: (PMID: 31370859)

Natera, Inc.
Classification: Benign for Leber congenital amaurosis. Last evaluated: 2019-10-21. Review status: no assertion criteria provided. Collection method: clinical testing. Allele origin: germline. Not counted in ClinVar's aggregate classification.

PreventionGenetics, part of Exact Sciences
Classification: Benign for CEP290-related condition. Last evaluated: 2019-06-28. Review status: no assertion criteria provided. Collection method: clinical testing. Allele origin: germline. Not counted in ClinVar's aggregate classification.
Comment: This variant is classified as benign based on ACMG/AMP sequence variant interpretation guidelines (Richards et al. 2015 PMID: 25741868, with internal and published modifications).

Clinical Genetics DNA and cytogenetics Diagnostics Lab, Erasmus MC, Erasmus Medical Center
Classification: Likely benign. Review status: no assertion criteria provided. Collection method: clinical testing. Allele origin: germline. Affected: yes. Study: VKGL Data-share Consensus. Not counted in ClinVar's aggregate classification.

Genome Diagnostics Laboratory, University Medical Center Utrecht
Classification: Likely benign. Review status: no assertion criteria provided. Collection method: clinical testing. Allele origin: germline. Affected: yes. Study: VKGL Data-share Consensus. Not counted in ClinVar's aggregate classification.

Joint Genome Diagnostic Labs from Nijmegen and Maastricht, Radboudumc and MUMC+
Classification: Benign. Review status: no assertion criteria provided. Collection method: clinical testing. Allele origin: germline. Affected: yes. Study: VKGL Data-share Consensus. Not counted in ClinVar's aggregate classification.

NM_025114.4(CEP290):c.5322C>T (p.Leu1774=)

Gene: CEP290 (centrosomal protein 290; minus strand). Cytogenetic location: 12q21.32.
Variant type: single nucleotide variant.
Coding change: c.5322C>T on transcript NM_025114.4 (MANE Select); coding-DNA position 5322, C replaced by T.
Protein change: p.Leu1774=; no amino-acid change (leucine 1774 retained).
Molecular consequence: synonymous variant.
Genome position (GRCh38, 1-based): chr12:88,079,134, G>A on the plus strand (C>T on the coding strand, the complement: CEP290 is on the minus strand). VCF-style: chr12-88079134-G-A. GRCh37 (hg19) VCF-style: chr12-88472911-G-A.
Identifiers: ClinVar variation 197085 (VCV000197085.101), dbSNP rs117370446, ClinGen allele CA202689.